The following is an entry in ClinVar:

NM_001845.6(COL4A1):c.3958G>A (p.Gly1320Ser)

Gene: COL4A1 (collagen type IV alpha 1 chain; minus strand). Cytogenetic location: 13q34.
Variant type: single nucleotide variant.
Coding change: c.3958G>A on transcript NM_001845.6 (MANE Select); coding-DNA position 3958, G replaced by A.
Protein change: p.Gly1320Ser; replaces glycine 1320 with serine.
Molecular consequence: missense variant.
Genome position (GRCh38, 1-based): chr13:110,166,295, C>T on the plus strand (G>A on the coding strand, the complement: COL4A1 is on the minus strand). VCF-style: chr13-110166295-C-T. GRCh37 (hg19) VCF-style: chr13-110818642-C-T.
Other names: short protein forms G1320S.
Identifiers: ClinVar variation 3719562 (VCV003719562.3).

ClinVar aggregate classification (germline): Likely pathogenic. Review status: criteria provided, multiple submitters, no conflicts (2 of 4 stars). 2 submissions from 2 submitters: Likely pathogenic (2). Last evaluated 2025-05-27.

Conditions:
COL4A1-related disorder. Also called: COL4A1-related condition; COL4A1-related disorders. Identifiers: MedGen CN376119, MONDO:0800461.

gnomAD v4.1: 1 of 1,608,906 alleles (0.000062%); highest among the groups gnomAD compares: Non-Finnish European, 0.000085%; no homozygotes.

Submissions (2):

Department of Paediatrics at Addenbrookes, Cambridge University Hospitals NHS Foundation Trust (UK)
Classification: Likely pathogenic for COL4A1-related disorder. Last evaluated: 2025-05-27. Review status: criteria provided, single submitter. Criteria: Durkie Uk Practice Guidelines For Variant Classification V12 2024 (1). Collection method: clinical testing. Allele origin: unknown.
Comment: PM1_Strong; PM2_Moderate; PP3_Supporting

Labcorp Genetics (formerly Invitae), Labcorp
Classification: Likely pathogenic. Last evaluated: 2024-11-25. Review status: criteria provided, single submitter. Criteria: Invitae Variant Classification Sherloc (09022015). Collection method: clinical testing. Allele origin: germline.
Comment: This sequence change replaces glycine, which is neutral and non-polar, with serine, which is neutral and polar, at codon 1320 of the COL4A1 protein (p.Gly1320Ser). This variant is not present in population databases (gnomAD no frequency). This variant has not been reported in the literature in individuals affected with COL4A1-related conditions. Invitae Evidence Modeling of protein sequence and biophysical properties (such as structural, functional, and spatial information, amino acid conservation, physicochemical variation, residue mobility, and thermodynamic stability) indicates that this missense variant is expected to disrupt COL4A1 protein function with a positive predictive value of 95%. This variant disrupts the triple helix domain of COL4A1. Glycine residues within the Gly-Xaa-Yaa repeats of the triple helix domain are required for the structure and stability of fibrillar collagens (PMID: 7695699, 8218237, 19344236). In COL4A1 variants affecting these glycine residues are significantly enriched in individuals with disease (PMID: 9016532, 17078022) compared to the general population (ExAC). In summary, the currently available evidence indicates that the variant is pathogenic, but additional data are needed to prove that conclusively. Therefore, this variant has been classified as Likely Pathogenic.

Literature cited by the submitters: PubMed 7695699 (cited by Labcorp Genetics (formerly Invitae), Labcorp); PubMed 8218237 (cited by Labcorp Genetics (formerly Invitae), Labcorp); PubMed 19344236 (cited by Labcorp Genetics (formerly Invitae), Labcorp); PubMed 9016532 (cited by Labcorp Genetics (formerly Invitae), Labcorp); PubMed 17078022 (cited by Labcorp Genetics (formerly Invitae), Labcorp).